The following is an entry in ClinVar:

NM_153704.6(TMEM67):c.2662G>T (p.Val888Phe)

Gene: TMEM67 (transmembrane protein 67; plus strand). Cytogenetic location: 8q22.1.
Variant type: single nucleotide variant.
Coding change: c.2662G>T on transcript NM_153704.6 (MANE Select); coding-DNA position 2662, G replaced by T.
Protein change: p.Val888Phe; replaces valine 888 with phenylalanine.
Molecular consequence: missense variant. On other transcripts: non-coding transcript variant (1).
Genome position (GRCh38, 1-based): chr8:93,809,785, G>T. VCF-style: chr8-93809785-G-T. GRCh37 (hg19) VCF-style: chr8-94822013-G-T.
Other names: c.2419G>T, p.Val807Phe (NM_001142301.1); short protein forms V807F, V888F.
Identifiers: ClinVar variation 653461 (VCV000653461.1), dbSNP rs1586091861, ClinGen allele CA371699410.

ClinVar aggregate classification (germline): Uncertain significance (1 of 4 stars; one submission).

Conditions:
Meckel-Gruber syndrome. Also called: Dysencephalia splachnocystica; DYSENCEPHALIA SPLANCHNOCYSTICA; GRUBER SYNDROME. Identifiers: Orphanet 564, MedGen C0265215, MONDO:0018921.
Joubert syndrome. Also called: Familial aplasia of the vermis; CEREBELLOPARENCHYMAL DISORDER IV; JOUBERT-BOLTSHAUSER SYNDROME. Identifiers: Orphanet 475, MedGen C5979921, MONDO:0018772.

Submission:

Labcorp Genetics (formerly Invitae), Labcorp
Classification: Uncertain significance for Joubert syndrome; Meckel-Gruber syndrome. Last evaluated: 2018-11-02. Review status: criteria provided, single submitter. Criteria: Invitae Variant Classification Sherloc (09022015). Collection method: clinical testing. Allele origin: germline.
Comment: This sequence change replaces valine with phenylalanine at codon 888 of the TMEM67 protein (p.Val888Phe). The valine residue is weakly conserved and there is a small physicochemical difference between valine and phenylalanine. This variant is not present in population databases (ExAC no frequency). This variant has not been reported in the literature in individuals with TMEM67-related disease. Algorithms developed to predict the effect of missense changes on protein structure and function are either unavailable or do not agree on the potential impact of this missense change (SIFT: "Deleterious"; PolyPhen-2: "Possibly Damaging"; Align-GVGD: "Class C0"). Algorithms developed to predict the effect of sequence changes on RNA splicing suggest that this variant may disrupt the consensus splice site, but this prediction has not been confirmed by published transcriptional studies. In summary, the available evidence is currently insufficient to determine the role of this variant in disease. Therefore, it has been classified as a Variant of Uncertain Significance.